The following is an entry in ClinVar:

NM_024417.5(FDXR):c.1093C>T (p.Arg365Cys)

Gene: FDXR (ferredoxin reductase; minus strand). Cytogenetic location: 17q25.1.
Variant type: single nucleotide variant.
Coding change: c.1093C>T on transcript NM_024417.5 (MANE Select); coding-DNA position 1093, C replaced by T.
Protein change: p.Arg365Cys; replaces arginine 365 with cysteine.
Molecular consequence: missense variant. On other transcripts: non-coding transcript variant (1).
Genome position (GRCh38, 1-based): chr17:74,863,977, G>A on the plus strand (C>T on the coding strand, the complement: FDXR is on the minus strand). VCF-style: chr17-74863977-G-A. GRCh37 (hg19) VCF-style: chr17-72860099-G-A.
Other names: c.1222C>T, p.Arg408Cys (NM_001258012.4); c.1186C>T, p.Arg396Cys (NM_001258013.4); c.1069C>T, p.Arg357Cys (NM_001258014.4); c.973C>T, p.Arg325Cys (NM_001258015.3); c.937C>T, p.Arg313Cys (NM_001258016.3); c.1111C>T, p.Arg371Cys (NM_004110.6); short protein forms R313C, R325C, R357C, R365C, R371C, R396C, R408C.
Identifiers: ClinVar variation 2636154 (VCV002636154.7), dbSNP rs148352042, ClinGen allele CA8752922.
Genomic context (GRCh38, chr17:74,863,977, plus strand): 5'-CCTCCACATTGGGGATGACCCCAAGCTTGGAGTCAAAGGGCACGCTTGGGTCGACAGGGC[G>A]GCTCTTATACCCAATGCTGCTGAGCACCAGCCCACAAGGGAGGTCTTCCATGTCTCCCGT-3'
Protein context (NP_077728.3, residues 355-375): LVLSSIGYKS[Arg365Cys]PVDPSVPFDS

ClinVar aggregate classification (germline): Conflicting classifications of pathogenicity. Review status: criteria provided, conflicting classifications (1 of 4 stars). 3 submissions from 3 submitters: Uncertain significance (2); Likely benign (1). Last evaluated 2026-04-10.

Conditions:
FDXR-related disorder. Also called: FDXR-related condition; FDXR-related disorders.

Allele frequency attached by ClinVar (database versions not stated): ExAC 0.00019; gnomAD 0.00020; TOPMed 0.00020; ESP Exome Variant Server 0.00023; 1000 Genomes Project 30x 0.00031; 1000 Genomes Project 0.00040.
gnomAD v4.1: 308 of 1,614,066 alleles (0.019%); highest among the groups gnomAD compares: East Asian, 0.067%; no homozygotes.

Submissions (3):

PreventionGenetics, part of Exact Sciences
Classification: Uncertain significance for FDXR-related condition. Last evaluated: 2026-04-10. Review status: criteria provided, single submitter. Criteria: ACMG Guidelines, 2015. Collection method: clinical testing. Allele origin: germline.
Comment: The FDXR c.1093C>T variant is predicted to result in the amino acid substitution p.Arg365Cys. This variant was reported in an individual with Nonsyndromic cleft lip with/without cleft palate (Ishorst et al. 2023. PubMed ID: 36468602). This variant is reported in 0.14% of alleles in individuals of East Asian descent in gnomAD. Although we suspect that this variant may be benign, at this time, the clinical significance of this variant is uncertain due to the absence of conclusive functional and genetic evidence.

CeGaT Center for Human Genetics Tuebingen
Classification: Uncertain significance. Last evaluated: 2026-02-01. Review status: criteria provided, single submitter. Criteria: CeGaT Center For Human Genetics Tuebingen Variant Classification Criteria Version 2. Collection method: clinical testing. Allele origin: germline. Affected: yes. Observed: 1 variant allele.
Comment: FDXR: PM2:Supporting, BP4

Blueprint Genetics
Classification: Likely benign. Last evaluated: 2024-07-09. Review status: criteria provided, single submitter. Criteria: ACMG Guidelines, 2015. Collection method: clinical testing. Allele origin: germline.